The following is an entry in ClinVar:

ClinVar aggregate classification (germline): Uncertain significance (1 of 4 stars; one submission).

Conditions:
Charcot-Marie-Tooth disease axonal type 2Z. Also called: CHARCOT-MARIE-TOOTH DISEASE, AXONAL, AUTOSOMAL DOMINANT, TYPE 2Z; CHARCOT-MARIE-TOOTH NEUROPATHY, TYPE 2Z. Identifiers: Orphanet 466768, MedGen C5569025, MONDO:0014736, OMIM 616688.

Submission:

Labcorp Genetics (formerly Invitae), Labcorp
Classification: Uncertain significance for Charcot-Marie-Tooth disease axonal type 2Z. Last evaluated: 2025-02-23. Review status: criteria provided, single submitter. Criteria: Invitae Variant Classification Sherloc (09022015). Collection method: clinical testing. Allele origin: germline.
Comment: This sequence change replaces serine, which is neutral and polar, with cysteine, which is neutral and slightly polar, at codon 698 of the MORC2 protein (p.Ser698Cys). This variant is not present in population databases (gnomAD no frequency). This variant has not been reported in the literature in individuals affected with MORC2-related conditions. Invitae Evidence Modeling of protein sequence and biophysical properties (such as structural, functional, and spatial information, amino acid conservation, physicochemical variation, residue mobility, and thermodynamic stability) has been performed for this missense variant. However, the output from this modeling did not meet the statistical confidence thresholds required to predict the impact of this variant on MORC2 protein function. In summary, the available evidence is currently insufficient to determine the role of this variant in disease. Therefore, it has been classified as a Variant of Uncertain Significance.

NM_001303256.3(MORC2):c.2093C>G (p.Ser698Cys)

Gene: MORC2 (MORC family CW-type zinc finger 2; minus strand). Cytogenetic location: 22q12.2.
Variant type: single nucleotide variant.
Coding change: c.2093C>G on transcript NM_001303256.3 (MANE Select); coding-DNA position 2093, C replaced by G.
Protein change: p.Ser698Cys; replaces serine 698 with cysteine.
Molecular consequence: missense variant.
Genome position (GRCh38, 1-based): chr22:30,934,881, G>C on the plus strand (C>G on the coding strand, the complement: MORC2 is on the minus strand). VCF-style: chr22-30934881-G-C. GRCh37 (hg19) VCF-style: chr22-31330868-G-C.
Other names: c.2093C>G, p.Ser698Cys (NM_001303257.2); c.1907C>G, p.Ser636Cys (NM_014941.3); short protein forms S636C, S698C.
Identifiers: ClinVar variation 4803183 (VCV004803183.1).
Genomic context (GRCh38, chr22:30,934,881, plus strand): 5'-GGAGTCTTGATGACTTTGGGAGAAGGAACCTCCCGAGGGCTCTTGGAGTTGGGCAGTAAA[G>C]ATGGTGACAGTTGCTGCACCAGAGGGGCAGGTCGGGATGCAGTCTTGACGAGAGTGTTGG-3'
Protein context (NP_001290185.1, residues 688-708): PAPLVQQLSP[Ser698Cys]LLPNSKSPRE